The following is an entry in ClinVar:

ClinVar aggregate classification (germline): Conflicting classifications of pathogenicity. Review status: criteria provided, conflicting classifications (1 of 4 stars). 2 submissions from 2 submitters: Likely pathogenic (1); Uncertain significance (1). Last evaluated 2025-11-24.

Conditions:
Hereditary cancer-predisposing syndrome. Also called: Neoplastic Syndromes, Hereditary; Tumor predisposition; Hereditary neoplastic syndrome; Hereditary Cancer Syndrome. Identifiers: Orphanet 140162, MedGen C0027672, MeSH D009386, MONDO:0015356.

Submissions (2):

Ambry Genetics
Classification: Uncertain significance for Hereditary cancer-predisposing syndrome. Last evaluated: 2025-11-24. Review status: criteria provided, single submitter. Criteria: Ambry Variant Classification Scheme 2023. Collection method: clinical testing. Allele origin: germline.
Comment: The c.5173+2T>C intronic variant results from a T to C substitution two nucleotides after coding exon 38 in the POLE gene. This nucleotide position is highly conserved in available vertebrate species. In silico splice site analysis predicts that this alteration will not have any significant effect on splicing. Alterations that disrupt the canonical splice site are expected to cause aberrant splicing, resulting in an abnormal protein or a transcript that is subject to nonsense-mediated mRNA decay; however, +2T>C alterations are capable of generating wild-type transcripts in some genomic contexts and should be interpreted with caution (Lin JH et al. Hum Mutat. 2019 10;40:1856-1873). Based on the available evidence, the clinical significance of this alteration remains unclear.

Labcorp Genetics (formerly Invitae), Labcorp
Classification: Likely pathogenic. Last evaluated: 2024-12-12. Review status: criteria provided, single submitter. Criteria: Invitae Variant Classification Sherloc (09022015). Collection method: clinical testing. Allele origin: germline.
Comment: This sequence change affects a donor splice site in intron 38 of the POLE gene. It is expected to disrupt RNA splicing. Variants that disrupt the donor or acceptor splice site typically lead to a loss of protein function (PMID: 16199547), and loss-of-function variants in POLE are known to be pathogenic (PMID: 23230001, 25948378, 30503519). This variant is not present in population databases (gnomAD no frequency). This variant has not been reported in the literature in individuals affected with POLE-related conditions. ClinVar contains an entry for this variant (Variation ID: 825504). In summary, the currently available evidence indicates that the variant is pathogenic, but additional data are needed to prove that conclusively. Therefore, this variant has been classified as Likely Pathogenic.

Literature cited by the submitters: PubMed 16199547 (cited by Labcorp Genetics (formerly Invitae), Labcorp); PubMed 23230001 (cited by Labcorp Genetics (formerly Invitae), Labcorp); PubMed 25948378 (cited by Labcorp Genetics (formerly Invitae), Labcorp); PubMed 30503519 (cited by Labcorp Genetics (formerly Invitae), Labcorp).

NM_006231.4(POLE):c.5173+2T>C

Gene: POLE (DNA polymerase epsilon, catalytic subunit; minus strand). Cytogenetic location: 12q24.33.
Variant type: single nucleotide variant.
Coding change: c.5173+2T>C on transcript NM_006231.4 (MANE Select); the canonical splice donor site of the intron after coding-DNA position 5173, T replaced by C.
Molecular consequence: splice donor variant.
Genome position (GRCh38, 1-based): chr12:132,642,175, A>G on the plus strand (T>C on the coding strand, the complement: POLE is on the minus strand). VCF-style: chr12-132642175-A-G. GRCh37 (hg19) VCF-style: chr12-133218761-A-G.
Identifiers: ClinVar variation 825504 (VCV000825504.15), dbSNP rs1593729195, ClinGen allele CA387376593.